The following is an entry in ClinVar:

ClinVar aggregate classification (germline): Uncertain significance (1 of 4 stars; one submission).

Submission:

Labcorp Genetics (formerly Invitae), Labcorp
Classification: Uncertain significance. Last evaluated: 2023-11-20. Review status: criteria provided, single submitter. Criteria: Invitae Variant Classification Sherloc (09022015). Collection method: clinical testing. Allele origin: germline.
Comment: This sequence change replaces valine, which is neutral and non-polar, with phenylalanine, which is neutral and non-polar, at codon 379 of the RELB protein (p.Val379Phe). This variant is not present in population databases (gnomAD no frequency). This variant has not been reported in the literature in individuals affected with RELB-related conditions. An algorithm developed to predict the effect of missense changes on protein structure and function (PolyPhen-2) suggests that this variant is likely to be disruptive. In summary, the available evidence is currently insufficient to determine the role of this variant in disease. Therefore, it has been classified as a Variant of Uncertain Significance.

NM_006509.4(RELB):c.1135G>T (p.Val379Phe)

Gene: RELB (RELB proto-oncogene, NF-kB subunit; plus strand). Cytogenetic location: 19q13.32.
Variant type: single nucleotide variant.
Coding change: c.1135G>T on transcript NM_006509.4 (MANE Select); coding-DNA position 1135, G replaced by T.
Protein change: p.Val379Phe; replaces valine 379 with phenylalanine.
Molecular consequence: missense variant.
Genome position (GRCh38, 1-based): chr19:45,032,677, G>T. VCF-style: chr19-45032677-G-T. GRCh37 (hg19) VCF-style: chr19-45535935-G-T.
Other names: c.1126G>T, p.Val376Phe (NM_001411087.1); short protein forms V379F, V376F.
Identifiers: ClinVar variation 2792272 (VCV002792272.3), dbSNP rs762213313, ClinGen allele CA406305473.